The following is an entry in ClinVar:

ClinVar aggregate classification (germline): Uncertain significance. Review status: criteria provided, multiple submitters, no conflicts (2 of 4 stars). 2 submissions from 2 submitters: Uncertain significance (2). Last evaluated 2025-04-18.

gnomAD v4.1: 11 of 1,610,676 alleles (0.00068%); highest among the groups gnomAD compares: South Asian, 0.0022%; no homozygotes.

Submissions (2):

Women's Health and Genetics/Laboratory Corporation of America, LabCorp
Classification: Uncertain significance. Last evaluated: 2025-04-18. Review status: criteria provided, single submitter. Criteria: LabCorp Variant Classification Summary - May 2015. Collection method: clinical testing. Allele origin: germline.
Comment: Variant summary: TTN c.91607G>A (p.Arg30536His) results in a non-conservative amino acid change located in the A-band region of the encoded protein sequence. Three of four in-silico tools predict a damaging effect of the variant on protein function. The variant allele was found at a frequency of 6.9e-06 in 1603694 control chromosomes (gnomAD v4.1). This frequency is not significantly higher than estimated for a pathogenic variant in TTN causing Dilated Cardiomyopathy (6.9e-06 vs 0.00039), allowing no conclusion about variant significance. To our knowledge, no occurrence of c.91607G>A in individuals affected with Dilated Cardiomyopathy and no experimental evidence demonstrating its impact on protein function have been reported. No submitters have cited clinical-significance assessments for this variant to ClinVar. Based on the evidence outlined above, the variant was classified as uncertain significance.

Revvity Omics, Revvity
Classification: Uncertain significance. Last evaluated: 2024-12-16. Review status: criteria provided, single submitter. Criteria: ACMG Guidelines, 2015. Collection method: clinical testing. Allele origin: germline.

NM_001267550.2(TTN):c.99311G>A (p.Arg33104His)

Genes: TTN (titin; minus strand), TTN-AS1 (TTN antisense RNA 1; plus strand). Cytogenetic location: 2q31.2.
Variant type: single nucleotide variant.
Coding change: c.99311G>A on transcript NM_001267550.2 (MANE Select); coding-DNA position 99311, G replaced by A.
Protein change: p.Arg33104His; replaces arginine 33104 with histidine.
Molecular consequence: missense variant.
Genome position (GRCh38, 1-based): chr2:178,537,896, C>T on the plus strand (G>A on the coding strand, the complement: TTN is on the minus strand). VCF-style: chr2-178537896-C-T. GRCh37 (hg19) VCF-style: chr2-179402623-C-T.
Other names: c.94388G>A, p.Arg31463His (NM_001256850.1); c.72116G>A, p.Arg24039His (NM_003319.4); c.91607G>A, p.Arg30536His (NM_133378.4); c.72491G>A, p.Arg24164His (NM_133432.3); c.72692G>A, p.Arg24231His (NM_133437.4); short protein forms R24039H, R24164H, R24231H, R30536H, R31463H, R33104H.
Identifiers: ClinVar variation 3896184 (VCV003896184.3).